The following is an entry in ClinVar:

ClinVar aggregate classification (germline): Likely pathogenic. Review status: criteria provided, single submitter (1 of 4 stars). 2 submissions from 2 submitters: Likely pathogenic (1). 1 of the submissions does not count toward it. Last evaluated 2022-01-19.

Conditions:
Niemann-Pick disease, type A. Also called: Infantile Neurovisceral ASMD (Niemann-Pick Disease Type A; NPD-A); SPHINGOMYELIN LIPIDOSIS; SPHINGOMYELINASE DEFICIENCY. Identifiers: Orphanet 77292, MedGen C0268242, MONDO:0009756, OMIM 257200. Disease mechanism: loss of function.
Niemann-Pick disease, type B. Also called: Chronic Visceral ASMD (Niemann-Pick Disease Type B; NPD-B). Identifiers: Orphanet 77293, MedGen C0268243, MONDO:0011871, OMIM 607616. Disease mechanism: loss of function.

Allele frequency attached by ClinVar (database versions not stated): gnomAD exomes below 0.00001.
gnomAD v4.1: 1 of 1,613,864 alleles (0.000062%); highest among the groups gnomAD compares: Non-Finnish European, 0.000085%; no homozygotes.

Submissions (2):

Labcorp Genetics (formerly Invitae), Labcorp
Classification: Likely pathogenic for Niemann-Pick disease, type B; Niemann-Pick disease, type A. Last evaluated: 2022-01-19. Review status: criteria provided, single submitter. Criteria: Invitae Variant Classification Sherloc (09022015). Collection method: clinical testing. Allele origin: germline.
Comment: Advanced modeling of protein sequence and biophysical properties (such as structural, functional, and spatial information, amino acid conservation, physicochemical variation, residue mobility, and thermodynamic stability) performed at Invitae indicates that this missense variant is expected to disrupt SMPD1 protein function. In summary, the currently available evidence indicates that the variant is pathogenic, but additional data are needed to prove that conclusively. Therefore, this variant has been classified as Likely Pathogenic. ClinVar contains an entry for this variant (Variation ID: 551462). This missense change has been observed in individuals with Niemann-Pick disease (PMID: 23356216, 33675270). This variant is not present in population databases (gnomAD no frequency). This sequence change replaces proline, which is neutral and non-polar, with leucine, which is neutral and non-polar, at codon 429 of the SMPD1 protein (p.Pro429Leu).

Counsyl
Classification: Uncertain significance for Niemann-Pick disease, type A. Last evaluated: 2017-04-11. Review status: no assertion criteria provided. Collection method: clinical testing. Allele origin: unknown. Not counted in ClinVar's aggregate classification.

Literature cited by the submitters: PubMed 23356216 (cited by Labcorp Genetics (formerly Invitae), Labcorp and Counsyl); PubMed 33675270 (cited by Labcorp Genetics (formerly Invitae), Labcorp).

NM_000543.5(SMPD1):c.1286C>T (p.Pro429Leu)

Gene: SMPD1 (sphingomyelin phosphodiesterase 1; plus strand). Cytogenetic location: 11p15.4.
Variant type: single nucleotide variant.
Coding change: c.1286C>T on transcript NM_000543.5 (MANE Select); coding-DNA position 1286, C replaced by T.
Protein change: p.Pro429Leu; replaces proline 429 with leucine.
Molecular consequence: missense variant. On other transcripts: non-coding transcript variant (2).
Genome position (GRCh38, 1-based): chr11:6,393,639, C>T. VCF-style: chr11-6393639-C-T. GRCh37 (hg19) VCF-style: chr11-6414869-C-T.
Other names: c.1283C>T, p.Pro428Leu (NM_001007593.3); c.1286C>T, p.Pro429Leu (NM_001318087.2); c.365C>T, p.Pro122Leu (NM_001318088.2); c.1154C>T, p.Pro385Leu (NM_001365135.2); short protein forms P429L, P385L, P122L, P428L.
Identifiers: ClinVar variation 551462 (VCV000551462.7), dbSNP rs281860669, ClinGen allele CA217301962.